The following is an entry in ClinVar:

ClinVar aggregate classification (germline): Uncertain significance (1 of 4 stars; one submission).

Conditions:
Norman-Roberts syndrome (LIS2). Also called: Lissencephaly 2 (Norman-Roberts type). Identifiers: Orphanet 89844, MedGen C0796089, MONDO:0009760, OMIM 257320.
Familial temporal lobe epilepsy 7. Identifiers: Orphanet 101046, MedGen C4225327, MONDO:0014639, OMIM 616436.

Submission:

Labcorp Genetics (formerly Invitae), Labcorp
Classification: Uncertain significance for Familial temporal lobe epilepsy 7; Norman-Roberts syndrome. Last evaluated: 2022-09-28. Review status: criteria provided, single submitter. Criteria: Invitae Variant Classification Sherloc (09022015). Collection method: clinical testing. Allele origin: germline.
Comment: Advanced modeling of protein sequence and biophysical properties (such as structural, functional, and spatial information, amino acid conservation, physicochemical variation, residue mobility, and thermodynamic stability) performed at Invitae indicates that this missense variant is not expected to disrupt RELN protein function. In summary, the available evidence is currently insufficient to determine the role of this variant in disease. Therefore, it has been classified as a Variant of Uncertain Significance. This variant has not been reported in the literature in individuals affected with RELN-related conditions. This variant is not present in population databases (gnomAD no frequency). This sequence change replaces alanine, which is neutral and non-polar, with threonine, which is neutral and polar, at codon 2796 of the RELN protein (p.Ala2796Thr).

NM_005045.4(RELN):c.8386G>A (p.Ala2796Thr)

Genes: SLC26A5-AS1 (SLC26A5 antisense RNA 1; plus strand), RELN (reelin; minus strand). Cytogenetic location: 7q22.1.
Variant type: single nucleotide variant.
Coding change: c.8386G>A on transcript NM_005045.4 (MANE Select); coding-DNA position 8386, G replaced by A.
Protein change: p.Ala2796Thr; replaces alanine 2796 with threonine.
Molecular consequence: missense variant.
Genome position (GRCh38, 1-based): chr7:103,503,119, C>T on the plus strand (G>A on the coding strand, the complement: RELN is on the minus strand). VCF-style: chr7-103503119-C-T. GRCh37 (hg19) VCF-style: chr7-103143566-C-T.
Other names: c.8386G>A, p.Ala2796Thr (NM_173054.3); short protein forms A2796T.
Identifiers: ClinVar variation 1720602 (VCV001720602.5), dbSNP rs2484714989, ClinGen allele CA368757275.